The following is an entry in ClinVar:

NM_032043.3(BRIP1):c.3164C>A (p.Ser1055Tyr)

Gene: BRIP1 (BRCA1 interacting DNA helicase 1; minus strand). Cytogenetic location: 17q23.2.
Variant type: single nucleotide variant.
Coding change: c.3164C>A on transcript NM_032043.3 (MANE Select); coding-DNA position 3164, C replaced by A.
Protein change: p.Ser1055Tyr; replaces serine 1055 with tyrosine.
Molecular consequence: missense variant.
Genome position (GRCh38, 1-based): chr17:61,683,882, G>T on the plus strand (C>A on the coding strand, the complement: BRIP1 is on the minus strand). VCF-style: chr17-61683882-G-T. GRCh37 (hg19) VCF-style: chr17-59761243-G-T.
Other names: short protein forms S1055Y.
Identifiers: ClinVar variation 1728345 (VCV001728345.6), dbSNP rs2144085995, ClinGen allele CA400479477.

ClinVar aggregate classification (germline): Uncertain significance. Review status: criteria provided, multiple submitters, no conflicts (2 of 4 stars). 2 submissions from 2 submitters: Uncertain significance (2). Last evaluated 2025-01-11.

Conditions:
Hereditary cancer-predisposing syndrome. Also called: Neoplastic Syndromes, Hereditary; Tumor predisposition; Hereditary Cancer Syndrome; Hereditary neoplastic syndrome. Identifiers: Orphanet 140162, MedGen C0027672, MeSH D009386, MONDO:0015356.
Fanconi anemia complementation group J. Also called: BRIP1-Related Fanconi Anemia. Identifiers: Orphanet 84, MedGen C1836860, MONDO:0012187, OMIM 609054.
Familial cancer of breast. Also called: BREAST CANCER, FAMILIAL; Hereditary breast cancer; hereditary breast carcinoma. Identifiers: Orphanet 227535, MedGen C0346153, MONDO:0016419, OMIM 114480. Disease mechanism: loss of function.

Allele frequency attached by ClinVar (database versions not stated): gnomAD exomes below 0.00001.
gnomAD v4.1: 1 of 1,614,198 alleles (0.000062%); highest among the groups gnomAD compares: Non-Finnish European, 0.000085%; no homozygotes.

Submissions (2):

Ambry Genetics
Classification: Uncertain significance for Hereditary cancer-predisposing syndrome. Last evaluated: 2025-01-11. Review status: criteria provided, single submitter. Criteria: Ambry Variant Classification Scheme 2023. Collection method: clinical testing. Allele origin: germline.
Comment: The p.S1055Y variant (also known as c.3164C>A), located in coding exon 19 of the BRIP1 gene, results from a C to A substitution at nucleotide position 3164. The serine at codon 1055 is replaced by tyrosine, an amino acid with dissimilar properties. This amino acid position is conserved. In addition, this alteration is predicted to be tolerated by in silico analysis. Since supporting evidence is limited at this time, the clinical significance of this alteration remains unclear.

Labcorp Genetics (formerly Invitae), Labcorp
Classification: Uncertain significance for Familial cancer of breast; Fanconi anemia complementation group J. Last evaluated: 2024-04-22. Review status: criteria provided, single submitter. Criteria: Invitae Variant Classification Sherloc (09022015). Collection method: clinical testing. Allele origin: germline.
Comment: This sequence change replaces serine, which is neutral and polar, with tyrosine, which is neutral and polar, at codon 1055 of the BRIP1 protein (p.Ser1055Tyr). This variant is not present in population databases (gnomAD no frequency). This variant has not been reported in the literature in individuals affected with BRIP1-related conditions. ClinVar contains an entry for this variant (Variation ID: 1728345). An algorithm developed to predict the effect of missense changes on protein structure and function (PolyPhen-2) suggests that this variant is likely to be disruptive. In summary, the available evidence is currently insufficient to determine the role of this variant in disease. Therefore, it has been classified as a Variant of Uncertain Significance.